The following is an entry in ClinVar:

ClinVar aggregate classification (germline): Pathogenic (1 of 4 stars; one submission).

Submission:

GeneDx
Classification: Pathogenic. Last evaluated: 2016-04-07. Review status: criteria provided, single submitter. Criteria: GeneDx Variant Classification (06012015). Collection method: clinical testing. Allele origin: germline. Affected: yes.
Comment: The c.484-2 A>T splice site variant in the CYBB gene has been previously reported in association with X-linked chronic granulomatous disease (Roos et al., 2010). This pathogenic variant destroys the canonical splice acceptor site in intron 5, and is expected to cause abnormal gene splicing. The variant was not observed in approximately 6,500 individuals of European and African American ancestry in the NHLBI Exome Sequencing Project, indicating it is not a common benign variant in these populations.

NM_000397.4(CYBB):c.484-2A>T

Gene: CYBB (cytochrome b-245 beta chain; plus strand). Cytogenetic location: Xp21.1.
Variant type: single nucleotide variant.
Coding change: c.484-2A>T on transcript NM_000397.4 (MANE Select); the canonical splice acceptor site of the intron before coding-DNA position 484, A replaced by T.
Molecular consequence: splice acceptor variant.
Genome position (GRCh38, 1-based): chrX:37,795,949, A>T. VCF-style: chrX-37795949-A-T. GRCh37 (hg19) VCF-style: chrX-37655202-A-T.
Identifiers: ClinVar variation 265090 (VCV000265090.2), dbSNP rs886039336, ClinGen allele CA10588775.